The following is an entry in ClinVar:

NM_001127222.2(CACNA1A):c.5471G>A (p.Gly1824Asp)

Gene: CACNA1A (calcium voltage-gated channel subunit alpha1 A; minus strand). Cytogenetic location: 19p13.13.
Variant type: single nucleotide variant.
Coding change: c.5471G>A on transcript NM_001127222.2 (MANE Select); coding-DNA position 5471, G replaced by A.
Protein change: p.Gly1824Asp; replaces glycine 1824 with aspartic acid.
Molecular consequence: missense variant.
Genome position (GRCh38, 1-based): chr19:13,230,139, C>T on the plus strand (G>A on the coding strand, the complement: CACNA1A is on the minus strand). VCF-style: chr19-13230139-C-T. GRCh37 (hg19) VCF-style: chr19-13340953-C-T.
Other names: c.5489G>A, p.Gly1830Asp (NM_000068.4, NM_023035.3); c.5474G>A, p.Gly1825Asp (NM_001127221.2); c.5480G>A, p.Gly1827Asp (NM_001174080.2); short protein forms G1825D, G1830D, G1824D, G1827D.
Identifiers: ClinVar variation 421721 (VCV000421721.2), dbSNP rs1064795321, ClinGen allele CA16620777.

ClinVar aggregate classification (germline): Uncertain significance (1 of 4 stars; one submission).

Submission:

GeneDx
Classification: Uncertain significance. Last evaluated: 2016-07-20. Review status: criteria provided, single submitter. Criteria: GeneDx Variant Classification (06012015). Collection method: clinical testing. Allele origin: germline. Affected: yes.
Comment: A variant of uncertain significance has been identified in the CACNA1A gene. The G1825D variant has not been published as a pathogenic variant, nor has it been reported as a benign variant to our knowledge. It was not observed in approximately 6,300 individuals of European and African American ancestry in the NHLBI Exome Sequencing Project, indicating it is not a common benign variant in these populations. The G1825D variant is a non-conservative amino acid substitution, which is likely to impact secondary protein structure as these residues differ in polarity, charge, size, and/or other properties. This substitution occurs at a position that is conserved across species, and in silico analysis predicts this variant is probably damaging to the protein structure/function. Based on the currently available information, it is unclear whether this variant is a pathogenic variant or a rare benign variant.